The following is an entry in ClinVar:

NM_016327.3(UPB1):c.*3G>A

Genes: UPB1 (beta-ureidopropionase 1; plus strand), LOC130067121 (ATAC-STARR-seq lymphoblastoid active region 18778; plus strand). Cytogenetic location: 22q11.23.
Variant type: single nucleotide variant.
Coding change: c.*3G>A on transcript NM_016327.3 (MANE Select); 3 bases downstream of the stop codon, G replaced by A.
Molecular consequence: 3 prime UTR variant.
Genome position (GRCh38, 1-based): chr22:24,525,797, G>A. VCF-style: chr22-24525797-G-A. GRCh37 (hg19) VCF-style: chr22-24921765-G-A.
Identifiers: ClinVar variation 903219 (VCV000903219.5), dbSNP rs112036671, ClinGen allele CA10153505.

ClinVar aggregate classification (germline): Benign/Likely benign. Review status: criteria provided, multiple submitters, no conflicts (2 of 4 stars). 2 submissions from 2 submitters: Benign (1); Likely benign (1). Last evaluated 2024-11-13.

Conditions:
Deficiency of beta-ureidopropionase (UPB1D). Also called: Beta-ureidopropionase deficiency. Identifiers: Orphanet 65287, MedGen C1291512, MONDO:0013164, OMIM 613161.

Allele frequency attached by ClinVar (database versions not stated): 1000 Genomes Project 30x 0.00359; gnomAD 0.00383 and 0.00408; ExAC 0.00126; 1000 Genomes Project 0.00339; gnomAD exomes 0.00041 and 0.00099; TOPMed 0.00442; ESP Exome Variant Server 0.00515.

Submissions (2):

Blueprint Genetics
Classification: Likely benign. Last evaluated: 2024-11-13. Review status: criteria provided, single submitter. Criteria: ACMG Guidelines, 2015. Collection method: clinical testing. Allele origin: germline.

Illumina Laboratory Services, Illumina
Classification: Benign for Deficiency of beta-ureidopropionase. Last evaluated: 2018-01-13. Review status: criteria provided, single submitter. Criteria: ICSL Variant Classification Criteria 13 December 2019. Collection method: clinical testing. Allele origin: germline.
Comment: This variant was observed in the ICSL laboratory as part of a predisposition screen in an ostensibly healthy population. It had not been previously curated by ICSL or reported in the Human Gene Mutation Database (HGMD: prior to June 1st, 2018), and was therefore a candidate for classification through an automated scoring system. Utilizing variant allele frequency, disease prevalence and penetrance estimates, and inheritance mode, an automated score was calculated to assess if this variant is too frequent to cause the disease. Based on the score and internal cut-off values, a variant classified as benign is not then subjected to further curation. The score for this variant resulted in a classification of benign for this disease.